The following is an entry in ClinVar:

ClinVar aggregate classification (germline): Uncertain significance (1 of 4 stars; one submission).

Conditions:
Familial adenomatous polyposis 1 (FAP1). Also called: FAMILIAL ADENOMATOUS POLYPOSIS 1, ATTENUATED; POLYPOSIS, ADENOMATOUS INTESTINAL. Identifiers: MedGen C2713442, MONDO:0021056, OMIM 175100. Disease mechanism: loss of function.

Submission:

Labcorp Genetics (formerly Invitae), Labcorp
Classification: Uncertain significance for Familial adenomatous polyposis 1. Last evaluated: 2024-04-22. Review status: criteria provided, single submitter. Criteria: Invitae Variant Classification Sherloc (09022015). Collection method: clinical testing. Allele origin: germline.
Comment: This variant occurs in a non-coding region of the APC gene. It does not change the encoded amino acid sequence of the APC protein. Information on the frequency of this variant in the gnomAD database is not available, as this variant may be reported differently in the database. This variant has not been reported in the literature in individuals affected with APC-related conditions. Experimental studies and prediction algorithms are not available or were not evaluated, and the functional significance of this variant is currently unknown. In summary, the available evidence is currently insufficient to determine the role of this variant in disease. Therefore, it has been classified as a Variant of Uncertain Significance.

NC_000005.10:g.112707344_112707345delinsGG

Gene: APC (APC regulator of Wnt signaling pathway; plus strand). Cytogenetic location: 5q22.2.
Variant type: Indel.
Genome position: GRCh38 VCF-style: chr5-112707344-CT-GG. GRCh37 (hg19) VCF-style: chr5-112043041-CT-GG.
Identifiers: ClinVar variation 3650510 (VCV003650510.1).